The following is an entry in ClinVar:

ClinVar aggregate classification (germline): Benign/Likely benign. Review status: criteria provided, multiple submitters, no conflicts (2 of 4 stars). 2 submissions from 2 submitters: Benign (1); Likely benign (1). Last evaluated 2025-12-29.

Allele frequency attached by ClinVar (database versions not stated): gnomAD 0.00006; TOPMed 0.00006; ESP Exome Variant Server 0.00008; ExAC 0.00019; 1000 Genomes Project 30x 0.00047; 1000 Genomes Project 0.00060.
gnomAD v4.1: 228 of 1,612,880 alleles (0.014%); highest among the groups gnomAD compares: South Asian, 0.13%; 2 homozygotes.

Submissions (2):

Center for Genomic Medicine, Rigshospitalet, Copenhagen University Hospital
Classification: Likely benign. Last evaluated: 2025-12-29. Review status: criteria provided, single submitter. Criteria: ACMG Guidelines, 2015. Collection method: clinical testing. Allele origin: germline.

CeGaT Center for Human Genetics Tuebingen
Classification: Benign. Last evaluated: 2022-07-01. Review status: criteria provided, single submitter. Criteria: CeGaT Center For Human Genetics Tuebingen Variant Classification Criteria Version 2. Collection method: clinical testing. Allele origin: germline. Affected: yes. Observed: 1 variant allele.
Comment: BMPR1A: BS1, BS2

NM_004329.3(BMPR1A):c.431-30A>G

Gene: BMPR1A (bone morphogenetic protein receptor type 1A; plus strand). Cytogenetic location: 10q23.2.
Variant type: single nucleotide variant.
Coding change: c.431-30A>G on transcript NM_004329.3 (MANE Select); 30 bases into the intron before coding-DNA position 431, A replaced by G.
Molecular consequence: intron variant.
Genome position (GRCh38, 1-based): chr10:86,899,997, A>G. VCF-style: chr10-86899997-A-G. GRCh37 (hg19) VCF-style: chr10-88659754-A-G.
Other names: c.431-30A>G (NM_001406562.1, NM_001406568.1, NM_001406567.1 and 22 more transcripts); c.347-30A>G (NM_001406584.1, NM_001406588.1, NM_001406587.1 and 2 more transcripts); c.333+7768A>G (NM_001406589.1).
Identifiers: ClinVar variation 2640656 (VCV002640656.27), dbSNP rs148331454, ClinGen allele CA5585522.